The following is an entry in ClinVar:

ClinVar aggregate classification (germline): Uncertain significance (1 of 4 stars; one submission).

Submission:

GeneDx
Classification: Uncertain significance. Last evaluated: 2024-07-18. Review status: criteria provided, single submitter. Criteria: GeneDx Variant Classification Process June 2021. Collection method: clinical testing. Allele origin: germline. Affected: yes.
Comment: Not observed at significant frequency in large population cohorts (gnomAD); In silico analysis supports that this missense variant has a deleterious effect on protein structure/function; Has not been previously published as pathogenic or benign to our knowledge

NM_003179.3(SYP):c.539T>A (p.Met180Lys)

Gene: SYP (synaptophysin; minus strand). Cytogenetic location: Xp11.23.
Variant type: single nucleotide variant.
Coding change: c.539T>A on transcript NM_003179.3 (MANE Select); coding-DNA position 539, T replaced by A.
Protein change: p.Met180Lys; replaces methionine 180 with lysine.
Molecular consequence: missense variant.
Genome position (GRCh38, 1-based): chrX:49,193,348, A>T on the plus strand (T>A on the coding strand, the complement: SYP is on the minus strand). VCF-style: chrX-49193348-A-T. GRCh37 (hg19) VCF-style: chrX-49049805-A-T.
Other names: short protein forms M180K.
Identifiers: ClinVar variation 3573852 (VCV003573852.1).